The following is an entry in ClinVar:

NM_000124.4(ERCC6):c.3004T>A (p.Tyr1002Asn)

Gene: ERCC6 (ERCC excision repair 6, chromatin remodeling factor; minus strand). Cytogenetic location: 10q11.23.
Variant type: single nucleotide variant.
Coding change: c.3004T>A on transcript NM_000124.4 (MANE Select); coding-DNA position 3004, T replaced by A.
Protein change: p.Tyr1002Asn; replaces tyrosine 1002 with asparagine.
Molecular consequence: missense variant.
Genome position (GRCh38, 1-based): chr10:49,471,041, A>T on the plus strand (T>A on the coding strand, the complement: ERCC6 is on the minus strand). VCF-style: chr10-49471041-A-T. GRCh37 (hg19) VCF-style: chr10-50679087-A-T.
Other names: c.3004T>A, p.Tyr1002Asn (NM_001346440.2); short protein forms Y1002N.
Identifiers: ClinVar variation 1723768 (VCV001723768.9), dbSNP rs747581337, ClinGen allele CA5495452.

ClinVar aggregate classification (germline): Conflicting classifications of pathogenicity. Review status: criteria provided, conflicting classifications (1 of 4 stars). 3 submissions from 3 submitters: Uncertain significance (2); Likely benign (1). Last evaluated 2026-01-13.

Conditions:
Inborn genetic diseases. Identifiers: MedGen C0950123, MeSH D030342.

Allele frequency attached by ClinVar (database versions not stated): ExAC 0.00001; gnomAD exomes 0.00001; gnomAD 0.00003; TOPMed 0.00004.
gnomAD v4.1: 12 of 1,613,650 alleles (0.00074%); highest among the groups gnomAD compares: African/African-American, 0.016%; no homozygotes.

Submissions (3):

Labcorp Genetics (formerly Invitae), Labcorp
Classification: Likely benign. Last evaluated: 2026-01-13. Review status: criteria provided, single submitter. Criteria: Invitae Variant Classification Sherloc (09022015). Collection method: clinical testing. Allele origin: germline.

Ambry Genetics
Classification: Uncertain significance for Inborn genetic diseases. Last evaluated: 2025-02-01. Review status: criteria provided, single submitter. Criteria: Ambry Variant Classification Scheme 2023. Collection method: clinical testing. Allele origin: germline.

GeneDx
Classification: Uncertain significance. Last evaluated: 2022-05-11. Review status: criteria provided, single submitter. Criteria: GeneDx Variant Classification Process June 2021. Collection method: clinical testing. Allele origin: germline. Affected: yes.
Comment: In silico analysis supports that this missense variant has a deleterious effect on protein structure/function; Has not been previously published as pathogenic or benign to our knowledge